The following is an entry in ClinVar:

ClinVar aggregate classification (germline): Uncertain significance (1 of 4 stars; one submission).

Conditions:
Familial cold autoinflammatory syndrome 2 (FCAS2). Identifiers: Orphanet 247868, MedGen C2673198, MONDO:0012724, OMIM 611762.

Submission:

Labcorp Genetics (formerly Invitae), Labcorp
Classification: Uncertain significance for Familial cold autoinflammatory syndrome 2. Last evaluated: 2023-03-08. Review status: criteria provided, single submitter. Criteria: Invitae Variant Classification Sherloc (09022015). Collection method: clinical testing. Allele origin: unknown.
Comment: In summary, the available evidence is currently insufficient to determine the role of this variant in disease. Therefore, it has been classified as a Variant of Uncertain Significance. This variant has not been reported in the literature in individuals affected with NLRP12-related conditions. This variant results in a copy number gain of the genomic region encompassing exon(s) 1-8 of the NLRP12 gene. This region includes the initiator codon of the gene. This copy number gain extends beyond the assayed region for this gene and therefore may encompass additional genes. As the precise location of this event is unknown, it may be in tandem or it may be located elsewhere in the genome.

NC_000019.9:g.(?_54301477)_(54327428_?)dup

Gene: NLRP12 (NLR family pyrin domain containing 12; minus strand). Cytogenetic location: 19q13.42.
Variant type: Duplication.
Identifiers: ClinVar variation 3248467 (VCV003248467.1).